The following is an entry in ClinVar:

ClinVar aggregate classification (germline): Pathogenic. Review status: criteria provided, multiple submitters, no conflicts (2 of 4 stars). 2 submissions from 2 submitters: Pathogenic (2). Last evaluated 2024-12-02.

Conditions:
Arrhythmogenic cardiomyopathy with wooly hair and keratoderma. Also called: PALMOPLANTAR KERATODERMA WITH LEFT VENTRICULAR CARDIOMYOPATHY AND WOOLLY HAIR; Carvajal syndrome; Arrhythmogenic cardiomyopathy with woolly hair and keratoderma; Dilated cardiomyopathy with woolly hair and keratoderma. Identifiers: Orphanet 65282, MedGen C1854063, MONDO:0011581, OMIM 605676.
Arrhythmogenic right ventricular dysplasia 8 (ARVD8). Also called: Arrhythmogenic Right Ventricular Dysplasia/Cardiomyopathy 8; ARRHYTHMOGENIC RIGHT VENTRICULAR DYSPLASIA, FAMILIAL, 8; ARRHYTHMOGENIC RIGHT VENTRICULAR CARDIOMYOPATHY 8. Identifiers: MedGen C1843896, MONDO:0011831, OMIM 607450.
Cardiovascular phenotype. Identifiers: MedGen CN230736.

Submissions (2):

Labcorp Genetics (formerly Invitae), Labcorp
Classification: Pathogenic for Arrhythmogenic cardiomyopathy with wooly hair and keratoderma; Arrhythmogenic right ventricular dysplasia 8. Last evaluated: 2024-12-02. Review status: criteria provided, single submitter. Criteria: Invitae Variant Classification Sherloc (09022015). Collection method: clinical testing. Allele origin: germline.
Comment: This sequence change creates a premature translational stop signal (p.Ser1303Alafs*47) in the DSP gene. It is expected to result in an absent or disrupted protein product. Loss-of-function variants in DSP are known to be pathogenic (PMID: 20716751, 24503780, 25227139). This variant is not present in population databases (gnomAD no frequency). This variant has not been reported in the literature in individuals affected with DSP-related conditions. For these reasons, this variant has been classified as Pathogenic.

Ambry Genetics
Classification: Pathogenic for Cardiovascular phenotype. Last evaluated: 2024-09-18. Review status: criteria provided, single submitter. Criteria: Ambry Variant Classification Scheme 2023. Collection method: clinical testing. Allele origin: germline.
Comment: The c.3905_3906dupGC pathogenic mutation, located in coding exon 23 of the DSP gene, results from a duplication of GC at nucleotide position 3905, causing a translational frameshift with a predicted alternate stop codon (p.S1303Afs*47). Alterations in DSP that result in haploinsufficiency or protein truncation have been reported in patients with arrhythmogenic right ventricular cardiomyopathy (ARVC) and dilated cardiomyopathy (DCM) (Fressart V et al. Europace. 2010;12(6):861-8; Elliott P et al. Circ Cardiovasc Genet. 2010;3(4):314-22; Quarta G et al. Circulation. 2011;123(23):2701-9; Garcia-Pavia P et al. Heart. 2011;97(21):1744-52; Rasmussen TB et al. Clin Genet. 2013;84(1):20-30; Pugh TJ et al. Genet Med. 2014;16(8):601-8). This alteration is expected to result in loss of function by premature protein truncation or nonsense-mediated mRNA decay. Based on the supporting evidence, this variant is interpreted as a disease-causing mutation.

Literature cited by the submitters: PubMed 20716751 (cited by Labcorp Genetics (formerly Invitae), Labcorp); PubMed 24503780 (cited by Labcorp Genetics (formerly Invitae), Labcorp); PubMed 25227139 (cited by Labcorp Genetics (formerly Invitae), Labcorp).

NM_004415.4(DSP):c.3905_3906dup (p.Ser1303fs)

Gene: DSP (desmoplakin; plus strand). Cytogenetic location: 6p24.3.
Variant type: Microsatellite.
Coding change: c.3905_3906dup on transcript NM_004415.4 (MANE Select); coding-DNA positions 3905 to 3906, 2 bases duplicated (GC; older notation c.3905_3906dupGC).
Protein change: p.Ser1303fs; shifts the reading frame from serine 1303.
Molecular consequence: frameshift variant. On other transcripts: intron variant (1).
Genome position (GRCh38, 1-based): chr6:7,580,095-7,580,096, GC duplicated; duplicating any 2 consecutive bases within chr6:7,580,093-7,580,096 gives the same sequence; the c. name uses the placement nearest the transcript's 3' end. VCF-style (leftmost placement, unchanged base first): chr6-7580092-A-AGC. GRCh37 (hg19) VCF-style: chr6-7580325-A-AGC.
Other names: c.3905_3906dup, p.Ser1303fs (NM_001319034.2); c.3903_3904GC[3], p.Ser1303Alafs (NM_004415.2); c.3582+321GC[3] (NM_001008844.3); c.3905_3906dupGC (NM_004415.2); short protein forms S1303fs.
Identifiers: ClinVar variation 3505491 (VCV003505491.3).